The following is an entry in ClinVar:

NM_001042492.3(NF1):c.699del (p.Lys233fs)

Gene: NF1 (neurofibromin 1; plus strand). Cytogenetic location: 17q11.2.
Variant type: Deletion.
Coding change: c.699del on transcript NM_001042492.3 (MANE Select); coding-DNA position 699, one base deleted (A; older notation c.699delA).
Protein change: p.Lys233fs; shifts the reading frame from lysine 233.
Molecular consequence: frameshift variant.
Genome position (GRCh38, 1-based): chr17:31,181,754, A deleted; the last of 4 consecutive A bases (chr17:31,181,751-31,181,754); deleting any one gives the same sequence. VCF-style (leftmost placement, unchanged base first): chr17-31181750-CA-C. GRCh37 (hg19) VCF-style: chr17-29508768-CA-C.
Other names: c.699delA (NM_000267.3); c.699delA, p.Lys233Asnfs (NM_000267.4); c.699del, p.Lys233fs (NM_001128147.3); short protein forms K233fs.
Identifiers: ClinVar variation 2479496 (VCV002479496.7), dbSNP rs2544749912, ClinGen allele CA2580092815.

ClinVar aggregate classification (germline): Pathogenic. Review status: criteria provided, multiple submitters, no conflicts (2 of 4 stars). 3 submissions from 3 submitters: Pathogenic (3). Last evaluated 2024-11-28.

Conditions:
Neurofibromatosis, type 1 (NF1). Also called: Peripheral type neurofibromatosis; Neurofibromatosis, type I; VON RECKLINGHAUSEN DISEASE; NEUROFIBROMATOSIS, TYPE I, SOMATIC. Identifiers: Orphanet 636, MedGen C0027831, MONDO:0018975, OMIM 162200. Disease mechanism: loss of function.
Cardiovascular phenotype. Identifiers: MedGen CN230736.
Hereditary cancer-predisposing syndrome. Also called: Hereditary neoplastic syndrome; Tumor predisposition; Neoplastic Syndromes, Hereditary; Hereditary Cancer Syndrome. Identifiers: Orphanet 140162, MedGen C0027672, MeSH D009386, MONDO:0015356.

Submissions (3):

Labcorp Genetics (formerly Invitae), Labcorp
Classification: Pathogenic for Neurofibromatosis, type 1. Last evaluated: 2024-11-28. Review status: criteria provided, single submitter. Criteria: Invitae Variant Classification Sherloc (09022015). Collection method: clinical testing. Allele origin: germline.
Comment: This sequence change creates a premature translational stop signal (p.Lys233Asnfs*48) in the NF1 gene. It is expected to result in an absent or disrupted protein product. Loss-of-function variants in NF1 are known to be pathogenic (PMID: 10712197, 23913538). This variant is not present in population databases (gnomAD no frequency). This premature translational stop signal has been observed in individual(s) with neurofibromatosis type I (PMID: 25541118). ClinVar contains an entry for this variant (Variation ID: 2479496). For these reasons, this variant has been classified as Pathogenic.

Institute of Human Genetics, University of Leipzig Medical Center
Classification: Pathogenic for Neurofibromatosis, type 1. Last evaluated: 2024-11-04. Review status: criteria provided, single submitter. Criteria: ACMG Guidelines, 2015. Collection method: clinical testing. Allele origin: unknown. Inheritance: Autosomal dominant inheritance. Affected: yes.
Comment: Criteria applied: PVS1,PM2_SUP,PP4

Ambry Genetics
Classification: Pathogenic for Cardiovascular phenotype; Hereditary cancer-predisposing syndrome. Last evaluated: 2022-11-02. Review status: criteria provided, single submitter. Criteria: Ambry Variant Classification Scheme 2023. Collection method: clinical testing. Allele origin: germline.
Comment: The c.699delA pathogenic mutation, located in coding exon 7 of the NF1 gene, results from a deletion of one nucleotide at nucleotide position 699, causing a translational frameshift with a predicted alternate stop codon (p.K233Nfs*48). This alteration has been identified in a child meeting clinical diagnosis of Neurofibromatosis type 1(Duat Rodr&iacute;guez A et al. An Pediatr (Barc), 2015 Sep;83:173-82). This variant is considered to be rare based on population cohorts in the Genome Aggregation Database (gnomAD). In addition to the clinical data presented in the literature, this alteration is expected to result in loss of function by premature protein truncation or nonsense-mediated mRNA decay. As such, this alteration is interpreted as a disease-causing mutation.

Literature cited by the submitters: PubMed 10712197 (cited by Labcorp Genetics (formerly Invitae), Labcorp); PubMed 23913538 (cited by Labcorp Genetics (formerly Invitae), Labcorp); PubMed 25541118 (cited by Labcorp Genetics (formerly Invitae), Labcorp).